The following is an entry in ClinVar:

NM_012414.4(RAB3GAP2):c.2786dup (p.Leu930fs)

Gene: RAB3GAP2 (RAB3 GTPase activating non-catalytic protein subunit 2; minus strand). Cytogenetic location: 1q41.
Variant type: Duplication.
Coding change: c.2786dup on transcript NM_012414.4 (MANE Select); coding-DNA position 2786, one base duplicated (A; older notation c.2786dupA).
Protein change: p.Leu930fs; shifts the reading frame from leucine 930.
Molecular consequence: frameshift variant.
Genome position (GRCh38, 1-based): chr1:220,170,912, T duplicated on the plus strand (A on the coding strand, the reverse complement: RAB3GAP2 is on the minus strand); the first of 5 consecutive T bases (chr1:220,170,912-220,170,916); duplicating any one gives the same sequence. VCF-style (leftmost placement, unchanged base first): chr1-220170911-C-CT. GRCh37 (hg19) VCF-style: chr1-220344253-C-CT.
Other names: short protein forms L930fs.
Identifiers: ClinVar variation 1208853 (VCV001208853.3), dbSNP rs1157667071, ClinGen allele CA529461520.

ClinVar aggregate classification (germline): Likely pathogenic (1 of 4 stars; one submission).

Submission:

GeneDx
Classification: Likely pathogenic. Last evaluated: 2020-09-21. Review status: criteria provided, single submitter. Criteria: GeneDx Variant Classification Process June 2021. Collection method: clinical testing. Allele origin: germline. Affected: yes.
Comment: Frameshift variant predicted to result in protein truncation or nonsense mediated decay in a gene for which loss-of-function is a known mechanism of disease; Not observed at a significant frequency in large population cohorts (Lek et al., 2016); Has not been previously published as pathogenic or benign to our knowledge